The following is an entry in ClinVar:

NM_183374.3(CYP26C1):c.1273C>T (p.Pro425Ser)

Gene: CYP26C1 (cytochrome P450 family 26 subfamily C member 1; plus strand). Cytogenetic location: 10q23.33.
Variant type: single nucleotide variant.
Coding change: c.1273C>T on transcript NM_183374.3 (MANE Select); coding-DNA position 1273, C replaced by T.
Protein change: p.Pro425Ser; replaces proline 425 with serine.
Molecular consequence: missense variant.
Genome position (GRCh38, 1-based): chr10:93,068,401, C>T. VCF-style: chr10-93068401-C-T. GRCh37 (hg19) VCF-style: chr10-94828158-C-T.
Other names: short protein forms P425S.
Identifiers: ClinVar variation 2348150 (VCV002348150.4), dbSNP rs199816632, ClinGen allele CA5605863.
Genomic context (GRCh38, chr10:93,068,401, plus strand): 5'-TGGAGCGTGATGTATAGCATCCGGGACACGCACGAGACGGCTGCGGTGTACCGCAGCCCT[C>T]CCGAAGGCTTCGATCCAGAGCGCTTCGGCGCAGCGCGCGAAGATTCCCGGGGCGCCTCCA-3'
Protein context (NP_899230.2, residues 415-435): HETAAVYRSP[Pro425Ser]EGFDPERFGA

ClinVar aggregate classification (germline): Uncertain significance. Review status: criteria provided, multiple submitters, no conflicts (2 of 4 stars). 2 submissions from 2 submitters: Uncertain significance (2). Last evaluated 2025-02-04.

Allele frequency attached by ClinVar (database versions not stated): 1000 Genomes Project 0.00020; ExAC 0.00030; 1000 Genomes Project 30x 0.00031; ESP Exome Variant Server 0.00032; TOPMed 0.00036; gnomAD 0.00046; gnomAD exomes 0.00086.
gnomAD v4.1: 1,311 of 1,609,844 alleles (0.081%); highest among the groups gnomAD compares: Non-Finnish European, 0.1%; 1 homozygote.

Submissions (2):

Ambry Genetics
Classification: Uncertain significance. Last evaluated: 2025-02-04. Review status: criteria provided, single submitter. Criteria: Ambry Variant Classification Scheme 2023. Collection method: clinical testing. Allele origin: germline.

GeneDx
Classification: Uncertain significance. Last evaluated: 2024-06-27. Review status: criteria provided, single submitter. Criteria: GeneDx Variant Classification Process June 2021. Collection method: clinical testing. Allele origin: germline. Affected: yes.
Comment: In silico analysis indicates that this missense variant does not alter protein structure/function; Has not been previously published as pathogenic or benign to our knowledge